The following is an entry in ClinVar:

ClinVar aggregate classification (germline): Uncertain significance. Review status: criteria provided, multiple submitters, no conflicts (2 of 4 stars). 2 submissions from 2 submitters: Uncertain significance (2). Last evaluated 2025-04-03.

Conditions:
Autosomal recessive limb-girdle muscular dystrophy type 2A (LGMDR1). Also called: Calpainopathy; LEYDEN-MOEBIUS MUSCULAR DYSTROPHY; MUSCULAR DYSTROPHY, PELVOFEMORAL; Limb-girdle muscular dystrophy, type 2A; Muscular dystrophy, limb-girdle, type 2A, Amish. Identifiers: Orphanet 267, MedGen C1869123, MONDO:0009675, OMIM 253600. Disease mechanism: loss of function.

Allele frequency attached by ClinVar (database versions not stated): gnomAD exomes 0.00001.
gnomAD v4.1: 3 of 1,614,146 alleles (0.00019%); highest among the groups gnomAD compares: Non-Finnish European, 0.00025%; no homozygotes.

Submissions (2):

Labcorp Genetics (formerly Invitae), Labcorp
Classification: Uncertain significance for Autosomal recessive limb-girdle muscular dystrophy type 2A. Last evaluated: 2025-04-03. Review status: criteria provided, single submitter. Criteria: Invitae Variant Classification Sherloc (09022015). Collection method: clinical testing. Allele origin: germline.
Comment: This sequence change replaces aspartic acid, which is acidic and polar, with asparagine, which is neutral and polar, at codon 764 of the CAPN3 protein (p.Asp764Asn). This variant is not present in population databases (gnomAD no frequency). This variant has not been reported in the literature in individuals affected with CAPN3-related conditions. ClinVar contains an entry for this variant (Variation ID: 2501622). Invitae Evidence Modeling of protein sequence and biophysical properties (such as structural, functional, and spatial information, amino acid conservation, physicochemical variation, residue mobility, and thermodynamic stability) indicates that this missense variant is not expected to disrupt CAPN3 protein function with a negative predictive value of 80%. In summary, the available evidence is currently insufficient to determine the role of this variant in disease. Therefore, it has been classified as a Variant of Uncertain Significance.

GeneDx
Classification: Uncertain significance. Last evaluated: 2022-11-04. Review status: criteria provided, single submitter. Criteria: GeneDx Variant Classification Process June 2021. Collection method: clinical testing. Allele origin: germline. Affected: yes.
Comment: Not observed at significant frequency in large population cohorts (gnomAD); In silico analysis supports that this missense variant has a deleterious effect on protein structure/function; Has not been previously published as pathogenic or benign to our knowledge

NM_000070.3(CAPN3):c.2290G>A (p.Asp764Asn)

Gene: CAPN3 (calpain 3; plus strand). Cytogenetic location: 15q15.1.
Variant type: single nucleotide variant.
Coding change: c.2290G>A on transcript NM_000070.3 (MANE Select); coding-DNA position 2290, G replaced by A.
Protein change: p.Asp764Asn; replaces aspartic acid 764 with asparagine.
Molecular consequence: missense variant.
Genome position (GRCh38, 1-based): chr15:42,410,910, G>A. VCF-style: chr15-42410910-G-A. GRCh37 (hg19) VCF-style: chr15-42703108-G-A.
Other names: c.2272G>A, p.Asp758Asn (NM_024344.2); c.2014G>A, p.Asp672Asn (NM_173087.2); c.754G>A, p.Asp252Asn (NM_173088.2); c.295G>A, p.Asp99Asn (NM_173089.2, NM_173090.2); c.*1388G>A (NM_212464.2); c.*1965G>A (NM_212467.2); short protein forms D252N, D672N, D758N, D764N, D99N.
Identifiers: ClinVar variation 2501622 (VCV002501622.2), dbSNP rs2548294351, ClinGen allele CA392002007.